The following is an entry in ClinVar:

NM_004608.4(TBX6):c.998C>A (p.Ala333Asp)

Gene: TBX6 (T-box transcription factor 6; minus strand). Cytogenetic location: 16p11.2.
Variant type: single nucleotide variant.
Coding change: c.998C>A on transcript NM_004608.4 (MANE Select); coding-DNA position 998, C replaced by A.
Protein change: p.Ala333Asp; replaces alanine 333 with aspartic acid.
Molecular consequence: missense variant.
Genome position (GRCh38, 1-based): chr16:30,086,611, G>T on the plus strand (C>A on the coding strand, the complement: TBX6 is on the minus strand). VCF-style: chr16-30086611-G-T. GRCh37 (hg19) VCF-style: chr16-30097932-G-T.
Other names: short protein forms A333D.
Identifiers: ClinVar variation 1496788 (VCV001496788.8), dbSNP rs2151031235, ClinGen allele CA395513736.
Genomic context (GRCh38, chr16:30,086,611, plus strand): 5'-GGGTGCAGGAGGTAGGCCTCAGCACTGGGGCCACCACACAGAGGTGCCGGGGCAGCGGTG[G>T]CTTCCCCGGGGGCTGGGGCCTGTTCTGGATCTGATTCACGAATGTCTCCACCCAGGGTGG-3'
Protein context (NP_004599.2, residues 323-343): DPEQAPAPGE[Ala333Asp]TAAPAPLCGG

ClinVar aggregate classification (germline): Uncertain significance (1 of 4 stars; one submission).

Submission:

Labcorp Genetics (formerly Invitae), Labcorp
Classification: Uncertain significance. Last evaluated: 2020-12-23. Review status: criteria provided, single submitter. Criteria: Invitae Variant Classification Sherloc (09022015). Collection method: clinical testing. Allele origin: germline.
Comment: In summary, the available evidence is currently insufficient to determine the role of this variant in disease. Therefore, it has been classified as a Variant of Uncertain Significance. Algorithms developed to predict the effect of missense changes on protein structure and function are either unavailable or do not agree on the potential impact of this missense change (SIFT: "Tolerated"; PolyPhen-2: "Possibly Damaging"; Align-GVGD: "Class C0"). This variant has not been reported in the literature in individuals with TBX6-related conditions. This variant is not present in population databases (ExAC no frequency). This sequence change replaces alanine with aspartic acid at codon 333 of the TBX6 protein (p.Ala333Asp). The alanine residue is weakly conserved and there is a moderate physicochemical difference between alanine and aspartic acid.